The following is an entry in ClinVar:

NM_003184.4(TAF2):c.2395A>T (p.Ile799Phe)

Gene: TAF2 (TATA-box binding protein associated factor 2; minus strand). Cytogenetic location: 8q24.12.
Variant type: single nucleotide variant.
Coding change: c.2395A>T on transcript NM_003184.4 (MANE Select); coding-DNA position 2395, A replaced by T.
Protein change: p.Ile799Phe; replaces isoleucine 799 with phenylalanine.
Molecular consequence: missense variant.
Genome position (GRCh38, 1-based): chr8:119,762,578, T>A on the plus strand (A>T on the coding strand, the complement: TAF2 is on the minus strand). VCF-style: chr8-119762578-T-A. GRCh37 (hg19) VCF-style: chr8-120774818-T-A.
Other names: c.2395A>T, p.Ile799Phe (NM_001437338.1); c.2284A>T, p.Ile762Phe (NM_001437339.1, NM_001438084.1); short protein forms I762F, I799F.
Identifiers: ClinVar variation 5042037 (VCV005042037.1).

ClinVar aggregate classification (germline): Uncertain significance (1 of 4 stars; one submission).

Conditions:
Microcephaly-thin corpus callosum-intellectual disability syndrome (NEDFCF). Also called: NEURODEVELOPMENTAL DISORDER WITH FEEDING DIFFICULTIES, THIN CORPUS CALLOSUM, AND FOOT DEFORMITY; Intellectual developmental disorder, autosomal recessive 40. Identifiers: Orphanet 397951, MedGen C3810080, MONDO:0014273, OMIM 615599.

gnomAD v4.1: 1 of 1,613,508 alleles (0.000062%); highest among the groups gnomAD compares: Non-Finnish European, 0.000085%; no homozygotes.

Submission:

Clinical Genetics Laboratory, University Hospital Schleswig-Holstein
Classification: Uncertain significance for Microcephaly-thin corpus callosum-intellectual disability syndrome. Last evaluated: 2025-04-15. Review status: criteria provided, single submitter. Criteria: ACMG Guidelines, 2015. Collection method: clinical testing. Allele origin: maternal. Affected: yes. Observed: 1 compound heterozygote.
Comment: ACMG criteria applied: PM2, PP3, PP4